The following is an entry in ClinVar:

NM_012082.4(ZFPM2):c.1875C>G (p.Cys625Trp)

Genes: ZFPM2 (zinc finger protein, FOG family member 2; plus strand), ZFPM2-AS1 (ZFPM2 antisense RNA 1; minus strand). Cytogenetic location: 8q23.1.
Variant type: single nucleotide variant.
Coding change: c.1875C>G on transcript NM_012082.4 (MANE Select); coding-DNA position 1875, C replaced by G.
Protein change: p.Cys625Trp; replaces cysteine 625 with tryptophan.
Molecular consequence: missense variant.
Genome position (GRCh38, 1-based): chr8:105,801,957, C>G. VCF-style: chr8-105801957-C-G. GRCh37 (hg19) VCF-style: chr8-106814185-C-G.
Other names: c.1716C>G, p.Cys572Trp (NM_001362836.2); c.1479C>G, p.Cys493Trp (NM_001362837.2); short protein forms C493W, C572W, C625W.
Identifiers: ClinVar variation 3365332 (VCV003365332.1).
Genomic context (GRCh38, chr8:105,801,957, plus strand): 5'-CCTTCTCAACCCAGCTGCTCATTCTGCTGATCCTGAGAATCCACTTCTTCAAACATCTTG[C>G]ATCAATTCTTCCACTGTCTTAGATTTAATTGGGCCAAATGGGAAGGGCCATGACAAGGAC-3'
Protein context (NP_036214.2, residues 615-635): DPENPLLQTS[Cys625Trp]INSSTVLDLI

ClinVar aggregate classification (germline): Uncertain significance (1 of 4 stars; one submission).

Submission:

GeneDx
Classification: Uncertain significance. Last evaluated: 2023-12-07. Review status: criteria provided, single submitter. Criteria: GeneDx Variant Classification Process June 2021. Collection method: clinical testing. Allele origin: germline. Affected: yes.
Comment: Not observed at significant frequency in large population cohorts (gnomAD); In silico analysis supports that this missense variant has a deleterious effect on protein structure/function; Has not been previously published as pathogenic or benign to our knowledge